The following is an entry in ClinVar:

ClinVar aggregate classification (germline): Uncertain significance (1 of 4 stars; one submission).

Conditions:
Inborn genetic diseases. Identifiers: MedGen C0950123, MeSH D030342.

Allele frequency attached by ClinVar (database versions not stated): gnomAD exomes below 0.00001; ExAC 0.00001.
gnomAD v4.1: 6 of 1,614,106 alleles (0.00037%); highest among the groups gnomAD compares: South Asian, 0.0011%; no homozygotes.

Submission:

Ambry Genetics
Classification: Uncertain significance for Inborn genetic diseases. Last evaluated: 2021-07-23. Review status: criteria provided, single submitter. Criteria: Ambry Variant Classification Scheme 2023. Collection method: clinical testing. Allele origin: germline.
Comment: The p.S462F variant (also known as c.1385C>T), located in coding exon 13 of the FUS gene, results from a C to T substitution at nucleotide position 1385. The serine at codon 462 is replaced by phenylalanine, an amino acid with highly dissimilar properties. This variant was detected in an individual with familial amyotrophic lateral sclerosis; however, clinical details were limited (Groen EJ et al. Arch Neurol, 2010 Feb;67:224-30). This amino acid position is well conserved in available vertebrate species. In addition, this alteration is predicted to be deleterious by in silico analysis. Since supporting evidence is limited at this time, the clinical significance of this alteration remains unclear.

Literature cited by the submitters: PubMed 20142531.

NM_004960.4(FUS):c.1385C>T (p.Ser462Phe)

Gene: FUS (FUS RNA binding protein; plus strand). Cytogenetic location: 16p11.2.
Variant type: single nucleotide variant.
Coding change: c.1385C>T on transcript NM_004960.4 (MANE Select); coding-DNA position 1385, C replaced by T.
Protein change: p.Ser462Phe; replaces serine 462 with phenylalanine.
Molecular consequence: missense variant. On other transcripts: non-coding transcript variant (1).
Genome position (GRCh38, 1-based): chr16:31,190,834, C>T. VCF-style: chr16-31190834-C-T. GRCh37 (hg19) VCF-style: chr16-31202155-C-T.
Other names: c.1382C>T, p.Ser461Phe (NM_001170634.1); c.1373C>T, p.Ser458Phe (NM_001170937.1); short protein forms S462F, S458F, S461F.
Identifiers: ClinVar variation 1771377 (VCV001771377.2), dbSNP rs746343598, ClinGen allele CA8024031.
Genomic context (GRCh38, chr16:31,190,834, plus strand): 5'-ATGAATGCAACCAGTGTAAGGCCCCTAAACCAGATGGCCCAGGAGGGGGACCAGGTGGCT[C>T]TCACATGGGTAAGAAAGGCAGACCTGGTGCTAGGGAGCTGGGACCAAAGAATCCTTAATT-3'
Protein context (NP_004951.1, residues 452-472): PDGPGGGPGG[Ser462Phe]HMGGNYGDDR